The following is an entry in ClinVar:

ClinVar aggregate classification (germline): Pathogenic (1 of 4 stars; one submission).

Conditions:
Long QT syndrome (LQTS). Identifiers: MedGen C0023976, MeSH D008133, MONDO:0002442. Disease mechanism: loss of function. Inheritance: Various modes of inheritance.

Submission:

Labcorp Genetics (formerly Invitae), Labcorp
Classification: Pathogenic for Long QT syndrome. Last evaluated: 2021-02-22. Review status: criteria provided, single submitter. Criteria: Invitae Variant Classification Sherloc (09022015). Collection method: clinical testing. Allele origin: germline.
Comment: For these reasons, this variant has been classified as Pathogenic. This sequence change creates a premature translational stop signal (p.Leu433Argfs*86) in the KCNH2 gene. It is expected to result in an absent or disrupted protein product. Loss-of-function variants in KCNH2 are known to be pathogenic (PMID: 10973849, 19862833). This variant is not present in population databases (ExAC no frequency). This variant has not been reported in the literature in individuals with KCNH2-related conditions.

Literature cited by the submitters: PubMed 10973849; PubMed 19862833.

NM_000238.4(KCNH2):c.1298_1304del (p.Leu433fs)

Gene: KCNH2 (potassium voltage-gated channel subfamily H member 2; minus strand). Cytogenetic location: 7q36.1.
Variant type: Deletion.
Coding change: c.1298_1304del on transcript NM_000238.4 (MANE Select); coding-DNA positions 1298 to 1304, 7 bases deleted (TGAAGGA; older notation c.1298_1304delTGAAGGA).
Protein change: p.Leu433fs; shifts the reading frame from leucine 433.
Molecular consequence: frameshift variant.
Genome position (GRCh38, 1-based): chr7:150,952,678-150,952,684, TCCTTCA deleted on the plus strand (TGAAGGA on the coding strand, the reverse complement: KCNH2 is on the minus strand). VCF-style (leftmost placement, unchanged base first): chr7-150952677-CTCCTTCA-C. GRCh37 (hg19) VCF-style: chr7-150649765-CTCCTTCA-C.
Other names: c.278_284del, p.Leu93fs (NM_001204798.2, NM_172057.3); c.1010_1016delTGAAGGA, p.Leu337Argfs (NM_001406753.1, NM_001406756.1); c.1121_1127delTGAAGGA, p.Leu374Argfs (NM_001406755.1); c.998_1004delTGAAGGA, p.Leu333Argfs (NM_001406757.1); c.1298_1304delTGAAGGA, p.Leu433Argfs (NM_172056.3); short protein forms L433fs, L93fs.
Identifiers: ClinVar variation 1457690 (VCV001457690.7), dbSNP rs2116971722, ClinGen allele CA2573141873.
Genomic context (GRCh38, chr7:150,952,677, plus strand): 5'-CACCACAGCCAGCGGCTGGCAGGCGTAGCCACACTCGGTAGCAGGCGGGCCTTCTTCCGT[CTCCTTCA>C]GCAGGAAGGCAGCCGAGTAGGGTGTGAAGACAGCCGTGTAGATGACCAGCAGCAGGATGA-3'